The following is an entry in ClinVar:

ClinVar aggregate classification (germline): Pathogenic/Likely pathogenic. Review status: criteria provided, multiple submitters, no conflicts (2 of 4 stars). 11 submissions from 11 submitters: Pathogenic (9); Likely pathogenic (2). Last evaluated 2025-10-16.

Conditions:
Galactosemia. Also called: Galactose intolerance. Identifiers: Orphanet 352, MedGen C0016952, MONDO:0018116, HP:0004919. Disease mechanism: loss of function.
Deficiency of UDPglucose-hexose-1-phosphate uridylyltransferase. Also called: GALACTOSEMIA I; Transferase Deficiency Galactosemia; GALACTOSE-1-PHOSPHATE URIDYLYLTRANSFERASE DEFICIENCY; GALT deficiency; Galactosemia, classic. Identifiers: Orphanet 352, Orphanet 79239, MedGen C0268151, MONDO:0009258, OMIM 230400.

Allele frequency attached by ClinVar (database versions not stated): gnomAD exomes 0.00001.

Submissions (11):

Natera, Inc.
Classification: Pathogenic for Galactosemia. Last evaluated: 2025-10-16. Review status: criteria provided, single submitter. Criteria: Natera Variant Classification Schema (03/2026). Collection method: clinical testing. Allele origin: germline.
Comment: The c.775C>T variant in GALT is a missense variant predicted to cause substitution of arginine to tryptophan at amino acid 259. This variant is rare in the general population with a frequency below the threshold expected for the associated phenotype(s). This variant has been observed in one or more individuals affected with the associated recessive disease, as either homozygous or compound heterozygous with a second variant (PMID: 22944367, 25268296). Given the available evidence, this variant is classified as Pathogenic.

Dasa
Classification: Pathogenic. Last evaluated: 2025-06-27. Review status: criteria provided, single submitter. Criteria: DASA Assertion Criteria. Collection method: clinical testing. Allele origin: germline.
Comment: NM_000155.4(GALT):c.775C>T (p.Arg259Trp) is a missense variant that results in the substitution of arginine with tryptophan. The affected residue or protein region has prior evidence supporting clinical relevance. This variant has been observed in affected individuals with related phenotype in a genotype context consistent with recessive disease (PMID: 25268296; PMID: 23749220; PMID: 22944367; PMID: 8741038; PMID: 11152465). Functional evidence supports a deleterious effect on the gene or gene product (PMID: 25268296; PMID: 23749220; PMID: 22944367; PMID: 8741038; PMID: 11152465). This variant has been recurrently observed in individuals with related phenotype (PMID: 25268296; PMID: 23749220; PMID: 22944367; PMID: 8741038; PMID: 11152465). Multiple computational predictions support a deleterious effect on the gene or gene product. The variant is present at low frequency in population datasets. Based on the available data, this variant is classified as pathogenic.

Labcorp Genetics (formerly Invitae), Labcorp
Classification: Pathogenic for Deficiency of UDPglucose-hexose-1-phosphate uridylyltransferase. Last evaluated: 2025-05-13. Review status: criteria provided, single submitter. Criteria: Invitae Variant Classification Sherloc (09022015). Collection method: clinical testing. Allele origin: germline.
Comment: This sequence change replaces arginine, which is basic and polar, with tryptophan, which is neutral and slightly polar, at codon 259 of the GALT protein (p.Arg259Trp). This variant is present in population databases (rs786204763, gnomAD 0.003%), including at least one homozygous and/or hemizygous individual. This missense change has been observed in individual(s) with galactose-1-phosphate uridyltransferase deficiency (PMID: 8741038, 22944367, 23749220, 25268296). In at least one individual the data is consistent with being in trans (on the opposite chromosome) from a pathogenic variant. ClinVar contains an entry for this variant (Variation ID: 189191). Invitae Evidence Modeling of protein sequence and biophysical properties (such as structural, functional, and spatial information, amino acid conservation, physicochemical variation, residue mobility, and thermodynamic stability) indicates that this missense variant is expected to disrupt GALT protein function with a positive predictive value of 95%. Experimental studies have shown that this missense change affects GALT function (PMID: 11152465). Algorithms developed to predict the effect of sequence changes on RNA splicing suggest that this variant may disrupt the consensus splice site. This variant disrupts the p.Arg259 amino acid residue in GALT. Other variant(s) that disrupt this residue have been observed in individuals with GALT-related conditions (PMID: 22461411), which suggests that this may be a clinically significant amino acid residue. For these reasons, this variant has been classified as Pathogenic.

Mayo Clinic Laboratories, Mayo Clinic
Classification: Pathogenic. Last evaluated: 2024-12-30. Review status: criteria provided, single submitter. Criteria: ACMG Guidelines, 2015. Collection method: clinical testing. Allele origin: germline. Observed: 5 variant alleles.
Comment: PP3, PP4, PM2_moderate, PM3_strong, PS3

Revvity Omics, Revvity
Classification: Pathogenic for Deficiency of UDPglucose-hexose-1-phosphate uridylyltransferase. Last evaluated: 2024-10-14. Review status: criteria provided, single submitter. Criteria: ACMG Guidelines, 2015. Collection method: clinical testing. Allele origin: germline.

Baylor Genetics
Classification: Pathogenic for Deficiency of UDPglucose-hexose-1-phosphate uridylyltransferase. Last evaluated: 2024-03-27. Review status: criteria provided, single submitter. Criteria: ACMG Guidelines, 2015. Collection method: clinical testing. Allele origin: unknown.

GeneDx
Classification: Pathogenic. Last evaluated: 2023-07-12. Review status: criteria provided, single submitter. Criteria: GeneDx Variant Classification Process June 2021. Collection method: clinical testing. Allele origin: germline. Affected: yes.
Comment: Functional analysis found this variant is associated with significantly reduced GALT enzyme activity (Riehman et al., 2001); Not observed at a significant frequency in large population cohorts (gnomAD); In silico analysis supports that this missense variant has a deleterious effect on protein structure/function; This variant is associated with the following publications: (PMID: 31194895, 11261429, 23749220, 20008339, 17041746, 31194252, 10408771, 31589614, 11152465, 8741038)

Fulgent Genetics
Classification: Pathogenic for Deficiency of UDPglucose-hexose-1-phosphate uridylyltransferase. Last evaluated: 2022-05-25. Review status: criteria provided, single submitter. Criteria: ACMG Guidelines, 2015. Collection method: clinical testing. Allele origin: unknown.

Myriad Genetics, Inc.
Classification: Likely pathogenic for Deficiency of UDPglucose-hexose-1-phosphate uridylyltransferase. Last evaluated: 2021-11-08. Review status: criteria provided, single submitter. Criteria: Myriad Women's Health Autosomal Recessive and X-Linked Classification Criteria (2021). Collection method: clinical testing. Allele origin: unknown.
Comment: NM_000155.3(GALT):c.775C>T(R259W) is a missense variant classified as likely pathogenic in the context of galactosemia. R259W has been observed in cases with relevant disease (PMID: 8892021, 10535394, 21779791, 22944367, 25268296, 27363831, 9396569, 31194895, 23749220). Functional assessments of this variant are available in the literature (PMID: 11152465). R259W has been observed in population frequency databases (gnomAD: AMR 0.003%). In summary, NM_000155.3(GALT):c.775C>T(R259W) is a missense variant that has been observed more frequently in cases with the relevant disease than in healthy populations. Please note: this variant was assessed in the context of healthy population screening.

Eurofins Ntd Llc (ga)
Classification: Pathogenic. Last evaluated: 2015-06-08. Review status: criteria provided, single submitter. Criteria: EGL Classification Definitions 2015. Collection method: clinical testing. Allele origin: germline. Observed: 2 variant alleles, 2 heterozygotes.

Juno Genomics, Hangzhou Juno Genomics, Inc
Classification: Likely pathogenic for Deficiency of UDPglucose-hexose-1-phosphate uridylyltransferase. Review status: criteria provided, single submitter. Criteria: ACMG Guidelines, 2015. Collection method: clinical testing. Allele origin: germline.
Comment: Absent from controls (or at extremely low frequency if recessive) in Genome Aggregation Database.;Multiple lines of computational evidence support a deleterious effect on the gene or gene product.;For recessive disorders, detected in trans with a pathogenic variant.;Patient's phenotype or family history is highly specific for a disease with a single genetic etiology.;Novel missense change at an amino acid residue where a different missense change determined to be pathogenic has been seen before.

Literature cited by the submitters: PubMed 22944367 (cited by 5 submitters); PubMed 25268296 (cited by 5 submitters); PubMed 23749220 (cited by 4 submitters); PubMed 8741038 (cited by 3 submitters); PubMed 11152465 (cited by 4 submitters); PubMed 22461411 (cited by Labcorp Genetics (formerly Invitae), Labcorp); PubMed 10408771 (cited by Mayo Clinic Laboratories, Mayo Clinic); PubMed 10535394 (cited by Mayo Clinic Laboratories, Mayo Clinic and Myriad Genetics, Inc.); PubMed 20008339 (cited by Mayo Clinic Laboratories, Mayo Clinic); PubMed 21779791 (cited by Mayo Clinic Laboratories, Mayo Clinic and Myriad Genetics, Inc.); PubMed 31194895 (cited by Mayo Clinic Laboratories, Mayo Clinic and Myriad Genetics, Inc.); PubMed 36515074 (cited by Mayo Clinic Laboratories, Mayo Clinic); PubMed 37563963 (cited by Mayo Clinic Laboratories, Mayo Clinic); PubMed 8892021 (cited by Mayo Clinic Laboratories, Mayo Clinic and Myriad Genetics, Inc.); PubMed 9396569 (cited by Mayo Clinic Laboratories, Mayo Clinic and Myriad Genetics, Inc.); PubMed 27363831 (cited by Myriad Genetics, Inc.).

NM_000155.4(GALT):c.775C>T (p.Arg259Trp)

Gene: GALT (galactose-1-phosphate uridylyltransferase; plus strand). Cytogenetic location: 9p13.3.
Variant type: single nucleotide variant.
Coding change: c.775C>T on transcript NM_000155.4 (MANE Select); coding-DNA position 775, C replaced by T.
Protein change: p.Arg259Trp; replaces arginine 259 with tryptophan.
Molecular consequence: missense variant.
Genome position (GRCh38, 1-based): chr9:34,648,849, C>T. VCF-style: chr9-34648849-C-T. GRCh37 (hg19) VCF-style: chr9-34648846-C-T.
Other names: c.448C>T, p.Arg150Trp (NM_001258332.2); short protein forms R259W, R150W.
Identifiers: ClinVar variation 189191 (VCV000189191.29), dbSNP rs786204763, ClinGen allele CA274482.